The following is an entry in ClinVar:

ClinVar aggregate classification (germline): Pathogenic (1 of 4 stars; one submission).

Submission:

Labcorp Genetics (formerly Invitae), Labcorp
Classification: Pathogenic. Last evaluated: 2023-08-17. Review status: criteria provided, single submitter. Criteria: Invitae Variant Classification Sherloc (09022015). Collection method: clinical testing. Allele origin: germline.
Comment: This variant is a gross deletion of the genomic region encompassing exon(s) 3-4 of the NTHL1 gene. This deletion is out-of-frame, and is expected to create a premature termination codon and result in an absent or disrupted protein product. Loss-of-function variants in NTHL1 are known to be pathogenic (PMID: 25938944, 26559593). This variant has not been reported in the literature in individuals affected with NTHL1-related conditions. For these reasons, this variant has been classified as Pathogenic.

Literature cited by the submitters: PubMed 25938944; PubMed 26559593.

NC_000016.10:g.(?_2043557)_(2044810_?)del

Gene: NTHL1 (nth like DNA glycosylase 1; minus strand). Cytogenetic location: 16p13.3.
Variant type: Deletion.
Identifiers: ClinVar variation 832200 (VCV000832200.7).